The following is an entry in ClinVar:

NM_080473.5(GATA5):c.328_329delinsT (p.Gly110fs)

Gene: GATA5 (GATA binding protein 5; minus strand). Cytogenetic location: 20q13.33.
Variant type: Indel.
Coding change: c.328_329delinsT on transcript NM_080473.5 (MANE Select); coding-DNA positions 328 to 329, GG replaced by T.
Protein change: p.Gly110fs; shifts the reading frame from glycine 110.
Molecular consequence: frameshift variant.
Genome position (GRCh38, 1-based): chr20:62,475,193-62,475,194, CC replaced by A on the plus strand (GG replaced by T on the coding strand, the reverse complement: GATA5 is on the minus strand). VCF-style: chr20-62475193-CC-A. GRCh37 (hg19) VCF-style: chr20-61050249-CC-A.
Other names: short protein forms G110fs.
Identifiers: ClinVar variation 2180303 (VCV002180303.4), dbSNP rs2516446858, ClinGen allele CA2580098354.

ClinVar aggregate classification (germline): Uncertain significance (1 of 4 stars; one submission).

Submission:

Labcorp Genetics (formerly Invitae), Labcorp
Classification: Uncertain significance. Last evaluated: 2021-12-18. Review status: criteria provided, single submitter. Criteria: Invitae Variant Classification Sherloc (09022015). Collection method: clinical testing. Allele origin: germline.
Comment: This sequence change creates a premature translational stop signal (p.Gly110Serfs*37) in the GATA5 gene. It is expected to result in an absent or disrupted protein product. However, the current clinical and genetic evidence is not sufficient to establish whether loss-of-function variants in GATA5 cause disease. This variant is not present in population databases (gnomAD no frequency). This variant has not been reported in the literature in individuals affected with GATA5-related conditions. In summary, the available evidence is currently insufficient to determine the role of this variant in disease. Therefore, it has been classified as a Variant of Uncertain Significance.